The following is an entry in ClinVar:

NM_025179.4(PLXNA2):c.2011C>T (p.Arg671Cys)

Gene: PLXNA2 (plexin A2; minus strand). Cytogenetic location: 1q32.2.
Variant type: single nucleotide variant.
Coding change: c.2011C>T on transcript NM_025179.4 (MANE Select); coding-DNA position 2011, C replaced by T.
Protein change: p.Arg671Cys; replaces arginine 671 with cysteine.
Molecular consequence: missense variant.
Genome position (GRCh38, 1-based): chr1:208,092,872, G>A on the plus strand (C>T on the coding strand, the complement: PLXNA2 is on the minus strand). VCF-style: chr1-208092872-G-A. GRCh37 (hg19) VCF-style: chr1-208266217-G-A.
Other names: short protein forms R671C.
Identifiers: ClinVar variation 4747851 (VCV004747851.1).
Genomic context (GRCh38, chr1:208,092,872, plus strand): 5'-GGAAGGAGCAGGTGGTGGGGTCATGAGTGCAGAGGTTGCGGTACTTGCACCAATGGCAGC[G>A]GAAGGCGCTGTTGACACAGGACAGGCACCTGCAAGGACAGAGATGGTGAGAGGCAAAGAG-3'
Protein context (NP_079455.3, residues 661-681): LCLSCVNSAF[Arg671Cys]CHWCKYRNLC

ClinVar aggregate classification (germline): Uncertain significance (1 of 4 stars; one submission).

gnomAD v4.1: 11 of 1,613,846 alleles (0.00068%); highest among the groups gnomAD compares: Middle Eastern, 0.016%; no homozygotes.

Submission:

Labcorp Genetics (formerly Invitae), Labcorp
Classification: Uncertain significance. Last evaluated: 2025-12-17. Review status: criteria provided, single submitter. Criteria: Invitae Variant Classification Sherloc (09022015). Collection method: clinical testing. Allele origin: germline.
Comment: This sequence change replaces arginine, which is basic and polar, with cysteine, which is neutral and slightly polar, at codon 671 of the PLXNA2 protein (p.Arg671Cys). This variant is present in population databases (no rsID available, gnomAD 0.0009%). This variant has not been reported in the literature in individuals affected with PLXNA2-related conditions. Invitae Evidence Modeling of protein sequence and biophysical properties (such as structural, functional, and spatial information, amino acid conservation, physicochemical variation, residue mobility, and thermodynamic stability) has been performed for this missense variant. However, the output from this modeling did not meet the statistical confidence thresholds required to predict the impact of this variant on PLXNA2 protein function. In summary, the available evidence is currently insufficient to determine the role of this variant in disease. Therefore, it has been classified as a Variant of Uncertain Significance.